The following is an entry in ClinVar:

NM_021101.5(CLDN1):c.605C>T (p.Pro202Leu)

Genes: CLDN1 (claudin 1; minus strand), CLDN16 (claudin 16; plus strand). Cytogenetic location: 3q28.
Variant type: single nucleotide variant.
Coding change: c.605C>T on transcript NM_021101.5 (MANE Select); coding-DNA position 605, C replaced by T.
Protein change: p.Pro202Leu; replaces proline 202 with leucine.
Molecular consequence: missense variant. On other transcripts: intron variant (2).
Genome position (GRCh38, 1-based): chr3:190,308,308, G>A on the plus strand (C>T on the coding strand, the complement: CLDN1 is on the minus strand). VCF-style: chr3-190308308-G-A. GRCh37 (hg19) VCF-style: chr3-190026097-G-A.
Other names: c.-445-6585G>A (NM_001378492.1); c.-279+17717G>A (NM_001378493.1); short protein forms P202L.
Identifiers: ClinVar variation 4229526 (VCV004229526.1).

ClinVar aggregate classification (germline): Uncertain significance. Review status: criteria provided, multiple submitters, no conflicts (2 of 4 stars). 2 submissions from 2 submitters: Uncertain significance (2). Last evaluated 2025-08-30.

Conditions:
Inborn genetic diseases. Identifiers: MedGen C0950123, MeSH D030342.

Submissions (2):

Ambry Genetics
Classification: Uncertain significance for Inborn genetic diseases. Last evaluated: 2025-08-30. Review status: criteria provided, single submitter. Criteria: Ambry Variant Classification Scheme 2023. Collection method: clinical testing. Allele origin: germline.

Labcorp Genetics (formerly Invitae), Labcorp
Classification: Uncertain significance. Last evaluated: 2025-04-08. Review status: criteria provided, single submitter. Criteria: Invitae Variant Classification Sherloc (09022015). Collection method: clinical testing. Allele origin: germline.
Comment: This sequence change replaces proline, which is neutral and non-polar, with leucine, which is neutral and non-polar, at codon 202 of the CLDN1 protein (p.Pro202Leu). This variant is not present in population databases (gnomAD no frequency). This variant has not been reported in the literature in individuals affected with CLDN1-related conditions. Experimental studies and prediction algorithms are not available or were not evaluated, and the functional significance of this variant is currently unknown. In summary, the available evidence is currently insufficient to determine the role of this variant in disease. Therefore, it has been classified as a Variant of Uncertain Significance.